The following is an entry in ClinVar:

NM_001378418.1(TCF20):c.824A>G (p.His275Arg)

Gene: TCF20 (transcription factor 20; minus strand). Cytogenetic location: 22q13.2.
Variant type: single nucleotide variant.
Coding change: c.824A>G on transcript NM_001378418.1 (MANE Select); coding-DNA position 824, A replaced by G.
Protein change: p.His275Arg; replaces histidine 275 with arginine.
Molecular consequence: missense variant.
Genome position (GRCh38, 1-based): chr22:42,214,482, T>C on the plus strand (A>G on the coding strand, the complement: TCF20 is on the minus strand). VCF-style: chr22-42214482-T-C. GRCh37 (hg19) VCF-style: chr22-42610488-T-C.
Other names: c.824A>G, p.His275Arg (NM_005650.4, NM_181492.3); short protein forms H275R.
Identifiers: ClinVar variation 5020155 (VCV005020155.1).

ClinVar aggregate classification (germline): Uncertain significance (1 of 4 stars; one submission).

gnomAD v4.1: 6 of 1,614,092 alleles (0.00037%); highest among the groups gnomAD compares: Non-Finnish European, 0.00025%; no homozygotes.

Submission:

Dasa
Classification: Uncertain significance. Last evaluated: 2026-07-22. Review status: criteria provided, single submitter. Criteria: DASA Assertion Criteria. Collection method: clinical testing. Allele origin: germline.
Comment: NM_001378418.1(TCF20):c.824A>G (p.His275Arg) is a missense variant that results in the substitution of histidine with arginine. This variant is absent from population databases. The currently available literature and clinical evidence are not sufficient to establish a definitive association between this variant and the reported condition. Therefore, this variant is classified as a variant of uncertain significance.